The following is an entry in ClinVar:

NM_032043.3(BRIP1):c.3593T>C (p.Ile1198Thr)

Gene: BRIP1 (BRCA1 interacting DNA helicase 1; minus strand). Cytogenetic location: 17q23.2.
Variant type: single nucleotide variant.
Coding change: c.3593T>C on transcript NM_032043.3 (MANE Select); coding-DNA position 3593, T replaced by C.
Protein change: p.Ile1198Thr; replaces isoleucine 1198 with threonine.
Molecular consequence: missense variant.
Genome position (GRCh38, 1-based): chr17:61,683,453, A>G on the plus strand (T>C on the coding strand, the complement: BRIP1 is on the minus strand). VCF-style: chr17-61683453-A-G. GRCh37 (hg19) VCF-style: chr17-59760814-A-G.
Other names: short protein forms I1198T.
Identifiers: ClinVar variation 2774978 (VCV002774978.2), dbSNP rs2144070663, ClinGen allele CA400478119.

ClinVar aggregate classification (germline): Uncertain significance (1 of 4 stars; one submission).

Conditions:
Hereditary cancer-predisposing syndrome. Also called: Neoplastic Syndromes, Hereditary; Tumor predisposition; Hereditary Cancer Syndrome; Hereditary neoplastic syndrome. Identifiers: Orphanet 140162, MedGen C0027672, MeSH D009386, MONDO:0015356.

Submission:

Color Diagnostics, LLC DBA Color Health
Classification: Uncertain significance for Hereditary cancer-predisposing syndrome. Last evaluated: 2023-01-23. Review status: criteria provided, single submitter. Criteria: ACMG Guidelines, 2015. Collection method: clinical testing. Allele origin: germline.
Comment: This missense variant replaces isoleucine with threonine at codon 1198 of the BRIP1 protein. Computational prediction suggests that this variant may not impact protein structure and function (internally defined REVEL score threshold <= 0.5, PMID: 27666373). To our knowledge, functional studies have not been reported for this variant. This variant has not been reported in individuals affected with BRIP1-related disorders in the literature. This variant has not been identified in the general population by the Genome Aggregation Database (gnomAD). The available evidence is insufficient to determine the role of this variant in disease conclusively. Therefore, this variant is classified as a Variant of Uncertain Significance.